The following is an entry in ClinVar:

NM_005337.5(NCKAP1L):c.1057A>G (p.Thr353Ala)

Gene: NCKAP1L (NCK associated protein 1 like; plus strand). Cytogenetic location: 12q13.2.
Variant type: single nucleotide variant.
Coding change: c.1057A>G on transcript NM_005337.5 (MANE Select); coding-DNA position 1057, A replaced by G.
Protein change: p.Thr353Ala; replaces threonine 353 with alanine.
Molecular consequence: missense variant.
Genome position (GRCh38, 1-based): chr12:54,516,954, A>G. VCF-style: chr12-54516954-A-G. GRCh37 (hg19) VCF-style: chr12-54910738-A-G.
Other names: c.907A>G, p.Thr303Ala (NM_001184976.2); c.1057A>G (NM_005337.4); short protein forms T303A, T353A.
Identifiers: ClinVar variation 2172159 (VCV002172159.2), dbSNP rs372732053, ClinGen allele CA6609033.

ClinVar aggregate classification (germline): Uncertain significance. Review status: criteria provided, multiple submitters, no conflicts (2 of 4 stars). 2 submissions from 2 submitters: Uncertain significance (2). Last evaluated 2024-11-07.

Allele frequency attached by ClinVar (database versions not stated): gnomAD exomes below 0.00001; ExAC 0.00001; gnomAD 0.00003; TOPMed 0.00003; ESP Exome Variant Server 0.00008.
gnomAD v4.1: 8 of 1,612,620 alleles (0.0005%); highest among the groups gnomAD compares: African/African-American, 0.0094%; no homozygotes.

Submissions (2):

Ambry Genetics
Classification: Uncertain significance. Last evaluated: 2024-11-07. Review status: criteria provided, single submitter. Criteria: Ambry Variant Classification Scheme 2023. Collection method: clinical testing. Allele origin: germline.

Labcorp Genetics (formerly Invitae), Labcorp
Classification: Uncertain significance. Last evaluated: 2022-08-09. Review status: criteria provided, single submitter. Criteria: Invitae Variant Classification Sherloc (09022015). Collection method: clinical testing. Allele origin: germline.
Comment: This sequence change replaces threonine, which is neutral and polar, with alanine, which is neutral and non-polar, at codon 353 of the NCKAP1L protein (p.Thr353Ala). This variant is present in population databases (rs372732053, gnomAD 0.01%). This variant has not been reported in the literature in individuals affected with NCKAP1L-related conditions. Algorithms developed to predict the effect of missense changes on protein structure and function output the following: SIFT: "Tolerated"; PolyPhen-2: "Benign"; Align-GVGD: "Class C0". The alanine amino acid residue is found in multiple mammalian species, which suggests that this missense change does not adversely affect protein function. In summary, the available evidence is currently insufficient to determine the role of this variant in disease. Therefore, it has been classified as a Variant of Uncertain Significance.